The following is an entry in ClinVar:

NM_016122.3(CEP83):c.1580del (p.Thr527fs)

Gene: CEP83 (centrosomal protein 83; minus strand). Cytogenetic location: 12q22.
Variant type: Deletion.
Coding change: c.1580del on transcript NM_016122.3 (MANE Select); coding-DNA position 1580, one base deleted (C; older notation c.1580delC).
Protein change: p.Thr527fs; shifts the reading frame from threonine 527.
Molecular consequence: frameshift variant. On other transcripts: non-coding transcript variant (2).
Genome position (GRCh38, 1-based): chr12:94,331,827, G deleted on the plus strand (C on the coding strand, the reverse complement: CEP83 is on the minus strand). VCF-style (leftmost placement, unchanged base first): chr12-94331826-TG-T. GRCh37 (hg19) VCF-style: chr12-94725602-TG-T.
Other names: c.1580del, p.Thr527fs (NM_001042399.2, NM_001346457.2, NM_001368037.1 and 1 more transcripts); c.1268del, p.Thr423fs (NM_001346458.2, NM_001346459.2, NM_001368039.1 and 1 more transcripts); c.1355del, p.Thr452fs (NM_001368041.1); short protein forms T527fs, T423fs, T452fs.
Identifiers: ClinVar variation 2729193 (VCV002729193.3), dbSNP rs2541287551, ClinGen allele CA2620219059.

ClinVar aggregate classification (germline): Pathogenic (1 of 4 stars; one submission).

Conditions:
Nephronophthisis 18 (NPHP18). Identifiers: Orphanet 655, MedGen C3890591, MONDO:0014374, OMIM 615862.

Allele frequency attached by ClinVar (database versions not stated): gnomAD exomes 0.00001.

Submission:

Labcorp Genetics (formerly Invitae), Labcorp
Classification: Pathogenic for Nephronophthisis 18. Last evaluated: 2023-05-27. Review status: criteria provided, single submitter. Criteria: Invitae Variant Classification Sherloc (09022015). Collection method: clinical testing. Allele origin: germline.
Comment: This sequence change creates a premature translational stop signal (p.Thr527Asnfs*52) in the CEP83 gene. It is expected to result in an absent or disrupted protein product. Loss-of-function variants in CEP83 are known to be pathogenic (PMID: 23530209, 24882706). This variant is not present in population databases (gnomAD no frequency). This variant has not been reported in the literature in individuals affected with CEP83-related conditions. For these reasons, this variant has been classified as Pathogenic.

Literature cited by the submitters: PubMed 23530209; PubMed 24882706.